The following is an entry in ClinVar:

ClinVar aggregate classification (germline): Uncertain significance (1 of 4 stars; one submission).

Submission:

Ambry Genetics
Classification: Uncertain significance. Last evaluated: 2024-09-21. Review status: criteria provided, single submitter. Criteria: Ambry Variant Classification Scheme 2023. Collection method: clinical testing. Allele origin: germline.
Comment: The p.Q176K variant (also known as c.526C>A), located in coding exon 5 of the RINT1 gene, results from a C to A substitution at nucleotide position 526. The glutamine at codon 176 is replaced by lysine, an amino acid with similar properties. This amino acid position is conserved. In addition, the in silico prediction for this alteration is inconclusive. Based on the available evidence, the clinical significance of this variant remains unclear.

NM_021930.6(RINT1):c.526C>A (p.Gln176Lys)

Gene: RINT1 (RAD50 interactor 1; plus strand). Cytogenetic location: 7q22.3.
Variant type: single nucleotide variant.
Coding change: c.526C>A on transcript NM_021930.6 (MANE Select); coding-DNA position 526, C replaced by A.
Protein change: p.Gln176Lys; replaces glutamine 176 with lysine.
Molecular consequence: missense variant. On other transcripts: 5 prime UTR variant (2), non-coding transcript variant (1), intron variant (1).
Genome position (GRCh38, 1-based): chr7:105,546,920, C>A. VCF-style: chr7-105546920-C-A. GRCh37 (hg19) VCF-style: chr7-105187367-C-A.
Other names: c.292C>A, p.Gln98Lys (NM_001346599.2); c.-494C>A (NM_001346600.2); c.-397C>A (NM_001346601.2); c.-27-3135C>A (NM_001346603.2); short protein forms Q176K, Q98K.
Identifiers: ClinVar variation 3433624 (VCV003433624.1).